The following is an entry in ClinVar:

NM_025137.4(SPG11):c.2612G>C (p.Ser871Thr)

Gene: SPG11 (SPG11 vesicle trafficking associated, spatacsin; minus strand). Cytogenetic location: 15q21.1.
Variant type: single nucleotide variant.
Coding change: c.2612G>C on transcript NM_025137.4 (MANE Select); coding-DNA position 2612, G replaced by C.
Protein change: p.Ser871Thr; replaces serine 871 with threonine.
Molecular consequence: missense variant.
Genome position (GRCh38, 1-based): chr15:44,621,767, C>G on the plus strand (G>C on the coding strand, the complement: SPG11 is on the minus strand). VCF-style: chr15-44621767-C-G. GRCh37 (hg19) VCF-style: chr15-44913965-C-G.
Other names: c.2612G>C, p.Ser871Thr (NM_001160227.2, NM_001411132.1); short protein forms S871T.
Identifiers: ClinVar variation 1793819 (VCV001793819.2), dbSNP rs751004111, ClinGen allele CA7535204.

ClinVar aggregate classification (germline): Uncertain significance (1 of 4 stars; one submission).

Conditions:
Inborn genetic diseases. Identifiers: MedGen C0950123, MeSH D030342.

Allele frequency attached by ClinVar (database versions not stated): ExAC 0.00001; gnomAD exomes 0.00001.

Submission:

Ambry Genetics
Classification: Uncertain significance for Inborn genetic diseases. Last evaluated: 2020-08-17. Review status: criteria provided, single submitter. Criteria: Ambry Variant Classification Scheme 2023. Collection method: clinical testing. Allele origin: germline.
Comment: The p.S871T variant (also known as c.2612G>C), located in coding exon 14 of the SPG11 gene, results from a G to C substitution at nucleotide position 2612. The serine at codon 871 is replaced by threonine, an amino acid with similar properties. This amino acid position is not well conserved in available vertebrate species. In addition, this alteration is predicted to be tolerated by in silico analysis. Since supporting evidence is limited at this time, the clinical significance of this alteration remains unclear.